The following is an entry in ClinVar:

NM_000038.6(APC):c.7376C>G (p.Ser2459Cys)

Gene: APC (APC regulator of Wnt signaling pathway; plus strand). Cytogenetic location: 5q22.2.
Variant type: single nucleotide variant.
Coding change: c.7376C>G on transcript NM_000038.6 (MANE Select); coding-DNA position 7376, C replaced by G.
Protein change: p.Ser2459Cys; replaces serine 2459 with cysteine.
Molecular consequence: missense variant.
Genome position (GRCh38, 1-based): chr5:112,842,970, C>G. VCF-style: chr5-112842970-C-G. GRCh37 (hg19) VCF-style: chr5-112178667-C-G.
Other names: c.7376C>G, p.Ser2459Cys (NM_001127510.3, NM_001354895.2); c.7322C>G, p.Ser2441Cys (NM_001127511.3); c.7430C>G, p.Ser2477Cys (NM_001354896.2); c.7406C>G, p.Ser2469Cys (NM_001354897.2); c.7301C>G, p.Ser2434Cys (NM_001354898.2); c.7292C>G, p.Ser2431Cys (NM_001354899.2); c.7253C>G, p.Ser2418Cys (NM_001354900.2); c.7199C>G, p.Ser2400Cys (NM_001354901.2); and 5 more; short protein forms S2176C, S2368C, S2400C, S2431C, S2441C, S2459C, S2418C, S2299C.
Identifiers: ClinVar variation 658256 (VCV000658256.16), dbSNP rs1580681726, ClinGen allele CA16037401.

ClinVar aggregate classification (germline): Uncertain significance. Review status: criteria provided, multiple submitters, no conflicts (2 of 4 stars). 2 submissions from 2 submitters: Uncertain significance (2). Last evaluated 2025-01-07.

Conditions:
Hereditary cancer-predisposing syndrome. Also called: Hereditary neoplastic syndrome; Neoplastic Syndromes, Hereditary; Hereditary Cancer Syndrome; Tumor predisposition. Identifiers: Orphanet 140162, MedGen C0027672, MeSH D009386, MONDO:0015356.
Familial adenomatous polyposis 1 (FAP1). Also called: POLYPOSIS, ADENOMATOUS INTESTINAL; FAMILIAL ADENOMATOUS POLYPOSIS 1, ATTENUATED. Identifiers: MedGen C2713442, MONDO:0021056, OMIM 175100. Disease mechanism: loss of function.

Submissions (2):

Labcorp Genetics (formerly Invitae), Labcorp
Classification: Uncertain significance for Familial adenomatous polyposis 1. Last evaluated: 2025-01-07. Review status: criteria provided, single submitter. Criteria: Invitae Variant Classification Sherloc (09022015). Collection method: clinical testing. Allele origin: germline.
Comment: This sequence change replaces serine, which is neutral and polar, with cysteine, which is neutral and slightly polar, at codon 2459 of the APC protein (p.Ser2459Cys). This variant is not present in population databases (gnomAD no frequency). This variant has not been reported in the literature in individuals affected with APC-related conditions. ClinVar contains an entry for this variant (Variation ID: 658256). Invitae Evidence Modeling of protein sequence and biophysical properties (such as structural, functional, and spatial information, amino acid conservation, physicochemical variation, residue mobility, and thermodynamic stability) indicates that this missense variant is not expected to disrupt APC protein function with a negative predictive value of 95%. In summary, the available evidence is currently insufficient to determine the role of this variant in disease. Therefore, it has been classified as a Variant of Uncertain Significance.

Ambry Genetics
Classification: Uncertain significance for Hereditary cancer-predisposing syndrome. Last evaluated: 2019-09-25. Review status: criteria provided, single submitter. Criteria: Ambry Variant Classification Scheme 2023. Collection method: clinical testing. Allele origin: germline.
Comment: The p.S2459C variant (also known as c.7376C>G), located in coding exon 15 of the APC gene, results from a C to G substitution at nucleotide position 7376. The serine at codon 2459 is replaced by cysteine, an amino acid with dissimilar properties. This amino acid position is highly conserved in available vertebrate species. In addition, in silico predictors for this gene do not accurately predict pathogenicity. Since supporting evidence is limited at this time, the clinical significance of this alteration remains unclear.